The following is an entry in ClinVar:

NM_001244008.2(KIF1A):c.307A>G (p.Lys103Glu)

Gene: KIF1A (kinesin family member 1A; minus strand). Cytogenetic location: 2q37.3.
Variant type: single nucleotide variant.
Coding change: c.307A>G on transcript NM_001244008.2 (MANE Select); coding-DNA position 307, A replaced by G.
Protein change: p.Lys103Glu; replaces lysine 103 with glutamic acid.
Molecular consequence: missense variant.
Genome position (GRCh38, 1-based): chr2:240,788,107, T>C on the plus strand (A>G on the coding strand, the complement: KIF1A is on the minus strand). VCF-style: chr2-240788107-T-C. GRCh37 (hg19) VCF-style: chr2-241727524-T-C.
Other names: c.307A>G, p.Lys103Glu (NM_001320705.2, NM_001330289.2, NM_001330290.2 and 20 more transcripts); short protein forms K103E.
Identifiers: ClinVar variation 5023158 (VCV005023158.1).

ClinVar aggregate classification (germline): Likely pathogenic (1 of 4 stars; one submission).

Conditions:
Inborn genetic diseases. Identifiers: MedGen C0950123, MeSH D030342.

Submission:

Ambry Genetics
Classification: Likely pathogenic for Inborn genetic diseases. Last evaluated: 2026-07-17. Review status: criteria provided, single submitter. Criteria: Ambry Variant Classification Scheme 2023. Collection method: clinical testing. Allele origin: germline.
Comment: The c.307A>G (p.K103E) alteration is located in exon 4 (coding exon 3) of the KIF1A gene. This alteration results from a A to G substitution at nucleotide position 307, causing the lysine (K) at amino acid position 103 to be replaced by a glutamic acid (E). for autosomal dominant KIF1A-related neuronal disorder; however, its clinical significance for autosomal recessive KIF1A-related spastic paraplegia is uncertain This variant was not reported in population-based cohorts in the Genome Aggregation Database (gnomAD). Other variant(s) at the same codon, c.308A>G (p.K103R), c.308A>C (p.K103T), have been identified in individual(s) with features consistent with KIF1A-related neuronal disorder (Boyle, 2021; Ikeda, 2023). This amino acid position is highly conserved in available vertebrate species. This missense variant is located in a region that has a low rate of benign missense variation (Lek, 2016; Firth, 2009). This alteration is predicted to be deleterious by in silico analysis. Based on the available evidence, this alteration is classified as likely pathogenic.

Literature cited by the submitters: PubMed 33880452; PubMed 37251230.